The following is an entry in ClinVar:

NM_001368067.1(LDB3):c.468G>A (p.Thr156=)

Genes: LDB3 (LIM domain binding 3; plus strand), LOC110121486 (VISTA enhancer hs2143; plus strand). Cytogenetic location: 10q23.2.
Variant type: single nucleotide variant.
Coding change: c.468G>A on transcript NM_001368067.1 (MANE Plus Clinical); coding-DNA position 468, G replaced by A.
Protein change: p.Thr156=; no amino-acid change (threonine 156 retained).
Molecular consequence: synonymous variant. On other transcripts: intron variant (5).
Genome position (GRCh38, 1-based): chr10:86,687,192, G>A. VCF-style: chr10-86687192-G-A. GRCh37 (hg19) VCF-style: chr10-88446949-G-A.
Other names: c.468G>A, p.Thr156= (NM_001080114.2, NM_001080116.1, NM_001368066.1 and 1 more transcripts); c.813G>A, p.Thr271= (NM_001171610.2, NM_001171611.2); c.690-4704G>A (NM_001368064.1, NM_001368063.1, NM_007078.3 and 2 more transcripts).
Identifiers: ClinVar variation 516252 (VCV000516252.51), dbSNP rs745413406, ClinGen allele CA5584832.

ClinVar aggregate classification (germline): Likely benign. Review status: criteria provided, multiple submitters, no conflicts (2 of 4 stars). 3 submissions from 3 submitters: Likely benign (3). Last evaluated 2025-11-27.

Conditions:
Myofibrillar myopathy 4. Also called: Zaspopathy (type). Identifiers: Orphanet 98912, MedGen C4721886, MONDO:0012277, OMIM 609452.

Allele frequency attached by ClinVar (database versions not stated): TOPMed 0.00003.
gnomAD v4.1: 19 of 1,614,100 alleles (0.0012%); highest among the groups gnomAD compares: South Asian, 0.0044%; no homozygotes.

Submissions (3):

Labcorp Genetics (formerly Invitae), Labcorp
Classification: Likely benign for Myofibrillar myopathy 4. Last evaluated: 2025-11-27. Review status: criteria provided, single submitter. Criteria: Invitae Variant Classification Sherloc (09022015). Collection method: clinical testing. Allele origin: germline.

CeGaT Center for Human Genetics Tuebingen
Classification: Likely benign. Last evaluated: 2019-03-01. Review status: criteria provided, single submitter. Criteria: CeGaT Center For Human Genetics Tuebingen Variant Classification Criteria Version 2. Collection method: clinical testing. Allele origin: germline. Affected: yes. Observed: 1 variant allele.

GeneDx
Classification: Likely benign. Last evaluated: 2017-08-08. Review status: criteria provided, single submitter. Criteria: GeneDx Variant Classification (06012015). Collection method: clinical testing. Allele origin: germline. Affected: yes.
Comment: This variant is considered likely benign or benign based on one or more of the following criteria: it is a conservative change, it occurs at a poorly conserved position in the protein, it is predicted to be benign by multiple in silico algorithms, and/or has population frequency not consistent with disease.